The following is an entry in ClinVar:

ClinVar aggregate classification (germline): Pathogenic. Review status: reviewed by expert panel (3 of 4 stars). 5 submissions from 5 submitters: Pathogenic (1). 4 of the submissions do not count toward it. Last evaluated 2025-07-29.

Conditions:
Miyoshi muscular dystrophy 1 (MMD1). Identifiers: Orphanet 45448, MedGen C4551973, MONDO:0024545, OMIM 254130.
Autosomal recessive limb-girdle muscular dystrophy type 2B (LGMDR2). Also called: MUSCULAR DYSTROPHY, LIMB-GIRDLE, AUTOSOMAL RECESSIVE 2; MUSCULAR DYSTROPHY, LIMB-GIRDLE, TYPE 3; Limb-Girdle Muscular Dystrophy Type 2B (LGMD2B); Limb-girdle muscular dystrophy, type 2B. Identifiers: Orphanet 268, MedGen C1850889, MONDO:0009676, OMIM 253601.
Distal myopathy with anterior tibial onset. Identifiers: Orphanet 178400, MedGen C1847532, MONDO:0011721, OMIM 606768.
Autosomal recessive limb-girdle muscular dystrophy. Identifiers: Orphanet 102015, MedGen C2931907, MONDO:0015152.
Neuromuscular disease caused by qualitative or quantitative defects of dysferlin. Also called: Qualitative or quantitative defects of dysferlin; Dysferlinopathy. Identifiers: Orphanet 207073, MedGen C2931687, MONDO:0016145.

Allele frequency attached by ClinVar (database versions not stated): gnomAD exomes below 0.00001.

Submissions (5):

ClinGen Limb Girdle Muscular Dystrophy Variant Curation Expert Panel, ClinGen
Classification: Pathogenic for Autosomal recessive limb-girdle muscular dystrophy. Last evaluated: 2025-07-29. Review status: reviewed by expert panel. Criteria: ClinGen LGMD VCEP ACMG Specifications DYSF V1.0.0. Collection method: curation. Allele origin: germline. Inheritance: Autosomal recessive inheritance.
Comment: The NM_003494.4: c.863dup p.(Asp288GlufsTer40) variant in DYSF, which is also known as NM_001130987.2: c.959dup p.(Asp320GlufsTer40), is a frameshift variant predicted to cause a premature stop codon in biologically relevant exon 11/55, leading to nonsense mediated decay in a gene in which loss of function is an established disease mechanism (PVS1). This variant has been identified in at least two individuals with dysferlinopathy (PMID: 36983702, 33715265, 14673575; LOVD DYSF_000186), including in unknown phase with a pathogenic variant (NM_003494.4: c.3031+2T>C, 0.5 pts, PMID: 36983702; PM3_Supporting). The filtering allele frequency of this variant in gnomAD v4.1.0 exomes is 0.000008232 (the upper threshold of the 95% CI of 4/1111996 European (non-Finnish) chromosomes), which is lower than the ClinGen LGMD VCEP threshold (<0.0001) for PM2_Supporting, and therefore meets this criterion (PM2_Supporting). In summary, this variant meets the criteria to be classified as Pathogenic for autosomal recessive limb-girdle muscular dystrophy based on the ACMG/AMP criteria applied, as specified by the ClinGen LGMD VCEP (LGMD VCEP specifications version 1.0.0; 07/29/2025): PVS1, PM3_Supporting, PM2_Supporting.

Fulgent Genetics
Classification: Likely pathogenic for Autosomal recessive limb-girdle muscular dystrophy type 2B; Miyoshi muscular dystrophy 1; Distal myopathy with anterior tibial onset. Last evaluated: 2024-04-25. Review status: criteria provided, single submitter. Criteria: ACMG Guidelines, 2015. Collection method: clinical testing. Allele origin: germline. Not counted in ClinVar's aggregate classification.

Laboratory of Medical Genetics, National & Kapodistrian University of Athens
Classification: Likely pathogenic for Autosomal recessive limb-girdle muscular dystrophy type 2B. Last evaluated: 2024-02-01. Review status: criteria provided, single submitter. Criteria: ACMG Guidelines, 2015. Collection method: curation. Allele origin: germline. Affected: no. Not counted in ClinVar's aggregate classification.

Baylor Genetics
Classification: Likely pathogenic for Miyoshi muscular dystrophy 1. Last evaluated: 2023-11-09. Review status: criteria provided, single submitter. Criteria: ACMG Guidelines, 2015. Collection method: clinical testing. Allele origin: unknown. Not counted in ClinVar's aggregate classification.

Labcorp Genetics (formerly Invitae), Labcorp
Classification: Pathogenic for Neuromuscular disease caused by qualitative or quantitative defects of dysferlin. Last evaluated: 2023-03-26. Review status: criteria provided, single submitter. Criteria: Invitae Variant Classification Sherloc (09022015). Collection method: clinical testing. Allele origin: germline. Not counted in ClinVar's aggregate classification.
Comment: This premature translational stop signal has been observed in individual(s) with DYSF-related conditions (PMID: 14673575, 33610434, 33715265). For these reasons, this variant has been classified as Pathogenic. This variant is present in population databases (no rsID available, gnomAD 0.0009%). This sequence change creates a premature translational stop signal (p.Asp288Glufs*40) in the DYSF gene. It is expected to result in an absent or disrupted protein product. Loss-of-function variants in DYSF are known to be pathogenic (PMID: 17698709, 20301480).

Literature cited by the submitters: PubMed 14673575 (cited by Labcorp Genetics (formerly Invitae), Labcorp); PubMed 33610434 (cited by Labcorp Genetics (formerly Invitae), Labcorp); PubMed 33715265 (cited by Labcorp Genetics (formerly Invitae), Labcorp); PubMed 17698709 (cited by Labcorp Genetics (formerly Invitae), Labcorp); PubMed 20301480 (cited by Labcorp Genetics (formerly Invitae), Labcorp).

NM_001130987.2(DYSF):c.959dup (p.Asp320fs)

Gene: DYSF (dysferlin; plus strand). Cytogenetic location: 2p13.2.
Variant type: Duplication.
Coding change: c.959dup on transcript NM_001130987.2 (MANE Select); coding-DNA position 959, one base duplicated (A; older notation c.959dupA).
Protein change: p.Asp320fs; shifts the reading frame from aspartic acid 320.
Molecular consequence: frameshift variant.
Genome position (GRCh38, 1-based): chr2:71,516,996, A duplicated. VCF-style (leftmost placement, unchanged base first): chr2-71516995-G-GA. GRCh37 (hg19) VCF-style: chr2-71744125-G-GA.
Other names: NM_001130987.2(DYSF):c.959dup; p.Asp320fs; c.866dup, p.Asp289fs (NM_001130455.2, NM_001130983.2, NM_001130984.2 and 1 more transcripts); c.863dup, p.Asp288fs (NM_001130976.2, NM_001130977.2, NM_001130978.2 and 1 more transcripts); c.956dup, p.Asp319fs (NM_001130979.2, NM_001130980.2, NM_001130981.2); c.959dup, p.Asp320fs (NM_001130982.2, NM_001130985.2); short protein forms D288fs, D289fs, D319fs, D320fs.
Identifiers: ClinVar variation 2674961 (VCV002674961.7), dbSNP rs1559057405, ClinGen allele CA533254006.